The following is an entry in ClinVar:

NM_005529.7(HSPG2):c.5324T>C (p.Val1775Ala)

Gene: HSPG2 (heparan sulfate proteoglycan 2; minus strand). Cytogenetic location: 1p36.12.
Variant type: single nucleotide variant.
Coding change: c.5324T>C on transcript NM_005529.7 (MANE Select); coding-DNA position 5324, T replaced by C.
Protein change: p.Val1775Ala; replaces valine 1775 with alanine.
Molecular consequence: missense variant.
Genome position (GRCh38, 1-based): chr1:21,857,355, A>G on the plus strand (T>C on the coding strand, the complement: HSPG2 is on the minus strand). VCF-style: chr1-21857355-A-G. GRCh37 (hg19) VCF-style: chr1-22183848-A-G.
Other names: c.5327T>C, p.Val1776Ala (NM_001291860.2); short protein forms V1775A, V1776A.
Identifiers: ClinVar variation 1418284 (VCV001418284.8), dbSNP rs768140730, ClinGen allele CA671962.
Genomic context (GRCh38, chr1:21,857,355, plus strand): 5'-GCTGTGCAGATGAAGGTGACGTCAGCTCCGGGGCGCACGCTCTGGCTCCGCTGCTCCTCC[A>G]CAGTCACTGTGATGGGCTTGCTTGGAGCCTCTGCAGGGACGGGAAGCCCCCCTGTGAGCC-3'
Protein context (NP_005520.4, residues 1765-1785): EAPSKPITVT[Val1775Ala]EEQRSQSVRP

ClinVar aggregate classification (germline): Uncertain significance (1 of 4 stars; one submission).

Allele frequency attached by ClinVar (database versions not stated): gnomAD exomes 0.00003 and 0.00006; ExAC 0.00007.
gnomAD v4.1: 47 of 1,613,976 alleles (0.0029%); highest among the groups gnomAD compares: South Asian, 0.052%; 2 homozygotes.

Submission:

Labcorp Genetics (formerly Invitae), Labcorp
Classification: Uncertain significance. Last evaluated: 2024-04-29. Review status: criteria provided, single submitter. Criteria: Invitae Variant Classification Sherloc (09022015). Collection method: clinical testing. Allele origin: germline.
Comment: This sequence change replaces valine, which is neutral and non-polar, with alanine, which is neutral and non-polar, at codon 1775 of the HSPG2 protein (p.Val1775Ala). This variant is present in population databases (rs768140730, gnomAD 0.05%). This variant has not been reported in the literature in individuals affected with HSPG2-related conditions. ClinVar contains an entry for this variant (Variation ID: 1418284). An algorithm developed to predict the effect of missense changes on protein structure and function (PolyPhen-2) suggests that this variant is likely to be disruptive. In summary, the available evidence is currently insufficient to determine the role of this variant in disease. Therefore, it has been classified as a Variant of Uncertain Significance.